The following is an entry in ClinVar:

ClinVar aggregate classification (germline): Uncertain significance. Review status: criteria provided, multiple submitters, no conflicts (2 of 4 stars). 2 submissions from 2 submitters: Uncertain significance (2). Last evaluated 2022-05-12.

Conditions:
Inborn genetic diseases. Identifiers: MedGen C0950123, MeSH D030342.

Allele frequency attached by ClinVar (database versions not stated): TOPMed below 0.00001; gnomAD exomes 0.00001.
gnomAD v4.1: 3 of 1,613,592 alleles (0.00019%); highest among the groups gnomAD compares: African/African-American, 0.0013%; no homozygotes.

Submissions (2):

Ambry Genetics
Classification: Uncertain significance for Inborn genetic diseases. Last evaluated: 2022-05-12. Review status: criteria provided, single submitter. Criteria: Ambry Variant Classification Scheme 2023. Collection method: clinical testing. Allele origin: germline.
Comment: The p.G179D variant (also known as c.536G>A), located in coding exon 6 of the RAD51 gene, results from a G to A substitution at nucleotide position 536. The glycine at codon 179 is replaced by aspartic acid, an amino acid with similar properties. This amino acid position is conserved. In addition, the in silico prediction for this alteration is inconclusive. Since supporting evidence is limited at this time, the clinical significance of this alteration remains unclear.

Labcorp Genetics (formerly Invitae), Labcorp
Classification: Uncertain significance. Last evaluated: 2022-04-24. Review status: criteria provided, single submitter. Criteria: Invitae Variant Classification Sherloc (09022015). Collection method: clinical testing. Allele origin: germline.
Comment: This sequence change replaces glycine, which is neutral and non-polar, with aspartic acid, which is acidic and polar, at codon 179 of the RAD51 protein (p.Gly179Asp). This variant is present in population databases (no rsID available, gnomAD 0.0009%). This variant has not been reported in the literature in individuals affected with RAD51-related conditions. Algorithms developed to predict the effect of missense changes on protein structure and function are either unavailable or do not agree on the potential impact of this missense change (SIFT: "Tolerated"; PolyPhen-2: "Possibly Damaging"; Align-GVGD: "Class C0"). In summary, the available evidence is currently insufficient to determine the role of this variant in disease. Therefore, it has been classified as a Variant of Uncertain Significance.

NM_002875.5(RAD51):c.536G>A (p.Gly179Asp)

Gene: RAD51 (RAD51 recombinase; plus strand). Cytogenetic location: 15q15.1.
Variant type: single nucleotide variant.
Coding change: c.536G>A on transcript NM_002875.5 (MANE Select); coding-DNA position 536, G replaced by A.
Protein change: p.Gly179Asp; replaces glycine 179 with aspartic acid.
Molecular consequence: missense variant.
Genome position (GRCh38, 1-based): chr15:40,728,716, G>A. VCF-style: chr15-40728716-G-A. GRCh37 (hg19) VCF-style: chr15-41020914-G-A.
Other names: c.539G>A, p.Gly180Asp (NM_001164269.2, NM_133487.4); c.536G>A, p.Gly179Asp (NM_001164270.2); short protein forms G180D, G179D.
Identifiers: ClinVar variation 1747097 (VCV001747097.7), dbSNP rs913824562, ClinGen allele CA268849890.